The following is an entry in ClinVar:

NM_000218.3(KCNQ1):c.839T>G (p.Val280Gly)

Gene: KCNQ1 (potassium voltage-gated channel subfamily Q member 1; plus strand). Cytogenetic location: 11p15.5.
Variant type: single nucleotide variant.
Coding change: c.839T>G on transcript NM_000218.3 (MANE Select); coding-DNA position 839, T replaced by G.
Protein change: p.Val280Gly; replaces valine 280 with glycine.
Molecular consequence: missense variant. On other transcripts: intron variant (1).
Genome position (GRCh38, 1-based): chr11:2,572,904, T>G. VCF-style: chr11-2572904-T-G. GRCh37 (hg19) VCF-style: chr11-2594134-T-G.
Other names: c.839T>G, p.Val280Gly (NM_001406836.1); c.569T>G, p.Val190Gly (NM_001406837.1); c.458T>G, p.Val153Gly (NM_181798.2); c.478-10531T>G (NM_001406838.1); short protein forms V153G, V190G, V280G.
Identifiers: ClinVar variation 4879684 (VCV004879684.1).
Genomic context (GRCh38, chr11:2,572,904, plus strand): 5'-AGGAGCTGATAACCACCCTGTACATCGGCTTCCTGGGCCTCATCTTCTCCTCGTACTTTG[T>G]GTACCTGGCTGAGAAGGACGCGGTGAACGAGTCAGGCCGCGTGGAGTTCGGCAGCTACGC-3'
Protein context (NP_000209.2, residues 270-290): FLGLIFSSYF[Val280Gly]YLAEKDAVNE

ClinVar aggregate classification (germline): Likely pathogenic (1 of 4 stars; one submission).

Conditions:
Long QT syndrome 1 (LQT1). Identifiers: Orphanet 101016, Orphanet 768, MedGen C4551647, MONDO:0100316, OMIM 192500, MONDO:0008646.

Submission:

Victorian Clinical Genetics Services, Murdoch Childrens Research Institute
Classification: Likely pathogenic for Long QT syndrome 1. Last evaluated: 2026-06-26. Review status: criteria provided, single submitter. Criteria: ACMG Guidelines, 2015. Collection method: clinical testing. Allele origin: germline.
Comment: This variant is classified as Likely pathogenic. Evidence in support of pathogenic classification: Variant is absent from gnomAD (v2, v3 and v4); Other missense variants comparable to the one identified in this case have strong previous evidence for pathogenicity. p.(Val280Glu) and p.(Val280Ala) have been classified as pathogenic or likely pathogenic by clinical laboratories in ClinVar, and have been reported in several individuals with long QT syndrome in the literature (PMIDs: 32893267, 14521653, 34930020, 23158531, 16414944). - Missense variant predicted to be damaging by in silico tool(s) or highly conserved with a major amino acid change. Additional information: Variant is predicted to result in a missense amino acid change from Val to Gly; This variant is heterozygous; This gene is associated with both recessive and dominant disease. JLNS is characterised by congenital, bilateral deafness and variable degrees of QT prolongation, and is the only condition caused by biallelic variants (PMID: 28438721); Alternative amino acid change(s) at the same position are present in gnomAD (highest allele count: v4: 1 heterozygote(s), 0 homozygote(s)); This variant has no previous evidence of pathogenicity; No published evidence of segregation with disease has been identified for this variant; No published functional evidence has been identified for this variant; Variant is located in the annotated ion transport protein domain, S5 segment (DECIPHER); Dominant negative, loss of function and gain of function are known mechanisms of disease in this gene. Gain of function variants result exclusively in short QT syndrome 2 (MIM#609621), while dominant negative and loss of function variants can cause long QT syndrome 1 (LQTS, MIM#192500), familial atrial fibrillation 3 (MIM#607554) as well as Jervell and Lange-Nielsen syndrome (JLNS, MIM#220400) (OMIM, PMIDs: 19632626, 28438721); The condition associated with this gene has incomplete penetrance (OMIM, PMID: 20301308).

Literature cited by the submitters: PubMed 14521653; PubMed 23158531; PubMed 32893267; PubMed 16414944; PubMed 19632626; PubMed 20301308; PubMed 34930020; PubMed 28438721.